The following is an entry in ClinVar:

ClinVar aggregate classification (germline): Uncertain significance (1 of 4 stars; one submission).

Submission:

GeneDx
Classification: Uncertain significance. Last evaluated: 2024-02-15. Review status: criteria provided, single submitter. Criteria: GeneDx Variant Classification Process June 2021. Collection method: clinical testing. Allele origin: germline. Affected: yes.
Comment: Not observed at significant frequency in large population cohorts (gnomAD); In silico analysis supports that this missense variant has a deleterious effect on protein structure/function; Has not been previously published as pathogenic or benign to our knowledge

NM_001039591.3(USP9X):c.434A>C (p.His145Pro)

Gene: USP9X (ubiquitin specific peptidase 9 X-linked; plus strand). Cytogenetic location: Xp11.4.
Variant type: single nucleotide variant.
Coding change: c.434A>C on transcript NM_001039591.3 (MANE Select); coding-DNA position 434, A replaced by C.
Protein change: p.His145Pro; replaces histidine 145 with proline.
Molecular consequence: missense variant.
Genome position (GRCh38, 1-based): chrX:41,134,836, A>C. VCF-style: chrX-41134836-A-C. GRCh37 (hg19) VCF-style: chrX-40994089-A-C.
Other names: c.434A>C, p.His145Pro (NM_001039590.3, NM_001410748.1, NM_001410749.1); short protein forms H145P.
Identifiers: ClinVar variation 3369239 (VCV003369239.1).